The following is an entry in ClinVar:

ClinVar aggregate classification (germline): Pathogenic (1 of 4 stars; one submission).

Conditions:
Holocarboxylase synthetase deficiency. Also called: MULTIPLE CARBOXYLASE DEFICIENCY, EARLY ONSET. Identifiers: Orphanet 79242, MedGen C0268581, MONDO:0009666, OMIM 253270.

Submission:

Labcorp Genetics (formerly Invitae), Labcorp
Classification: Pathogenic for Holocarboxylase synthetase deficiency. Last evaluated: 2023-06-14. Review status: criteria provided, single submitter. Criteria: Invitae Variant Classification Sherloc (09022015). Collection method: clinical testing. Allele origin: unknown.
Comment: For these reasons, this variant has been classified as Pathogenic. This variant disrupts a region of the HLCS protein in which other variant(s) (p.Arg508Trp) have been determined to be pathogenic (PMID: 8817339, 11185745, 16231399, 17407983, 21874615). This suggests that this is a clinically significant region of the protein, and that variants that disrupt it are likely to be disease-causing. This variant has not been reported in the literature in individuals affected with HLCS-related conditions. This variant is a gross deletion of the genomic region encompassing exon(s) 8-12 of the HLCS gene, which includes the termination codon. This deletion extends beyond the assayed region for this gene and therefore may encompass additional genes. While this deletion is not anticipated to lead to nonsense mediated decay, it is expected to alter mRNA translation or result in a truncated protein product.

Literature cited by the submitters: PubMed 8817339; PubMed 11185745; PubMed 16231399; PubMed 17407983; PubMed 21874615.

NC_000021.8:g.(?_37707582)_(38139606_?)del

Genes: CHAF1B (chromatin assembly factor 1 subunit B; plus strand), CLDN14 (claudin 14; minus strand), MORC3 (MORC family CW-type zinc finger 3; plus strand), HLCS (holocarboxylase synthetase; minus strand), SIM2 (SIM bHLH transcription factor 2; plus strand). Cytogenetic location: 21q22.12-22.13.
Variant type: Deletion.
Identifiers: ClinVar variation 3248147 (VCV003248147.1).